The following is an entry in ClinVar:

NM_053025.4(MYLK):c.3709C>T (p.Pro1237Ser)

Gene: MYLK (myosin light chain kinase; minus strand). Cytogenetic location: 3q21.1.
Variant type: single nucleotide variant.
Coding change: c.3709C>T on transcript NM_053025.4 (MANE Select); coding-DNA position 3709, C replaced by T.
Protein change: p.Pro1237Ser; replaces proline 1237 with serine.
Molecular consequence: missense variant.
Genome position (GRCh38, 1-based): chr3:123,666,341, G>A on the plus strand (C>T on the coding strand, the complement: MYLK is on the minus strand). VCF-style: chr3-123666341-G-A. GRCh37 (hg19) VCF-style: chr3-123385188-G-A.
Other names: c.3181C>T, p.Pro1061Ser (NM_001321309.2); c.3502C>T, p.Pro1168Ser (NM_053026.4, NM_053028.4); c.3709C>T, p.Pro1237Ser (NM_053027.4); short protein forms P1168S, P1237S, P1061S.
Identifiers: ClinVar variation 4115062 (VCV004115062.1).

ClinVar aggregate classification (germline): Uncertain significance (1 of 4 stars; one submission).

Conditions:
Familial thoracic aortic aneurysm and aortic dissection (TAAD). Also called: Thoracic aortic aneurysms and dissections. Identifiers: Orphanet 91387, MedGen C4707243, MONDO:0019625.

Submission:

Ambry Genetics
Classification: Uncertain significance for Familial thoracic aortic aneurysm and aortic dissection. Last evaluated: 2025-08-12. Review status: criteria provided, single submitter. Criteria: Ambry Variant Classification Scheme 2023. Collection method: clinical testing. Allele origin: germline.
Comment: The p.P1237S variant (also known as c.3709C>T), located in coding exon 19 of the MYLK gene, results from a C to T substitution at nucleotide position 3709. The proline at codon 1237 is replaced by serine, an amino acid with similar properties. This amino acid position is conserved. In addition, the in silico prediction for this alteration is inconclusive. Based on the available evidence, the clinical significance of this variant remains unclear.